The following is an entry in ClinVar:

NM_000632.4(ITGAM):c.595C>T (p.His199Tyr)

Gene: ITGAM (integrin subunit alpha M; plus strand). Cytogenetic location: 16p11.2.
Variant type: single nucleotide variant.
Coding change: c.595C>T on transcript NM_000632.4 (MANE Select); coding-DNA position 595, C replaced by T.
Protein change: p.His199Tyr; replaces histidine 199 with tyrosine.
Molecular consequence: missense variant.
Genome position (GRCh38, 1-based): chr16:31,271,883, C>T. VCF-style: chr16-31271883-C-T. GRCh37 (hg19) VCF-style: chr16-31283204-C-T.
Other names: c.595C>T, p.His199Tyr (NM_001145808.2); short protein forms H199Y.
Identifiers: ClinVar variation 2416165 (VCV002416165.6), dbSNP rs1001843168, ClinGen allele CA280604458.

ClinVar aggregate classification (germline): Uncertain significance (1 of 4 stars; one submission).

Allele frequency attached by ClinVar (database versions not stated): gnomAD exomes 0.00001; TOPMed 0.00002.
gnomAD v4.1: 8 of 1,614,040 alleles (0.0005%); highest among the groups gnomAD compares: Non-Finnish European, 0.00068%; no homozygotes.

Submission:

Labcorp Genetics (formerly Invitae), Labcorp
Classification: Uncertain significance. Last evaluated: 2024-12-09. Review status: criteria provided, single submitter. Criteria: Invitae Variant Classification Sherloc (09022015). Collection method: clinical testing. Allele origin: germline.
Comment: This sequence change replaces histidine, which is basic and polar, with tyrosine, which is neutral and polar, at codon 199 of the ITGAM protein (p.His199Tyr). This variant is present in population databases (no rsID available, gnomAD 0.0009%). This variant has not been reported in the literature in individuals affected with ITGAM-related conditions. ClinVar contains an entry for this variant (Variation ID: 2416165). An algorithm developed to predict the effect of missense changes on protein structure and function (PolyPhen-2) suggests that this variant is likely to be disruptive. In summary, the available evidence is currently insufficient to determine the role of this variant in disease. Therefore, it has been classified as a Variant of Uncertain Significance.